The following is an entry in ClinVar:

NM_000352.6(ABCC8):c.917G>A (p.Arg306His)

Gene: ABCC8 (ATP binding cassette subfamily C member 8; minus strand). Cytogenetic location: 11p15.1.
Variant type: single nucleotide variant.
Coding change: c.917G>A on transcript NM_000352.6 (MANE Select); coding-DNA position 917, G replaced by A.
Protein change: p.Arg306His; replaces arginine 306 with histidine.
Molecular consequence: missense variant. On other transcripts: non-coding transcript variant (1).
Genome position (GRCh38, 1-based): chr11:17,460,582, C>T on the plus strand (G>A on the coding strand, the complement: ABCC8 is on the minus strand). VCF-style: chr11-17460582-C-T. GRCh37 (hg19) VCF-style: chr11-17482129-C-T.
Other names: c.917G>A, p.Arg306His (NM_001287174.3, NM_001351295.2); c.914G>A, p.Arg305His (NM_001351296.2, NM_001351297.2); short protein forms R306H, R305H.
Identifiers: ClinVar variation 553663 (VCV000553663.6), dbSNP rs1409900082, ClinGen allele CA379776919.

ClinVar aggregate classification (germline): Likely pathogenic. Review status: criteria provided, single submitter (1 of 4 stars). 2 submissions from 2 submitters: Likely pathogenic (1). 1 of the submissions does not count toward it. Last evaluated 2024-04-06.

Conditions:
Hyperinsulinemic hypoglycemia, familial, 1 (HHF1). Also called: Persistent hyperinsulinemic hypoglycemia of infancy; HYPERINSULINISM, FAMILIAL, WITH PANCREATIC NESIDIOBLASTOSIS; HYPOGLYCEMIA, HYPERINSULINEMIC, OF INFANCY; NESIDIOBLASTOSIS OF PANCREAS; Persistent Hyperinsulinemia Hypoglycemia of Infancy. Identifiers: Orphanet 276575, Orphanet 276598, MedGen C2931832, MONDO:0009734, OMIM 256450.

Allele frequency attached by ClinVar (database versions not stated): gnomAD exomes below 0.00001.

Submissions (2):

Labcorp Genetics (formerly Invitae), Labcorp
Classification: Likely pathogenic. Last evaluated: 2024-04-06. Review status: criteria provided, single submitter. Criteria: Invitae Variant Classification Sherloc (09022015). Collection method: clinical testing. Allele origin: germline.
Comment: This sequence change replaces arginine, which is basic and polar, with histidine, which is basic and polar, at codon 306 of the ABCC8 protein (p.Arg306His). This variant is not present in population databases (gnomAD no frequency). This variant has not been observed in the literature in individuals with autosomal recessive ABCC8-related conditions. This variant has been reported in individual(s) with autosomal dominant neonatal diabetes (PMID: 17919176, 29675256); however, the role of the variant in this condition is currently unclear. ClinVar contains an entry for this variant (Variation ID: 553663). Advanced modeling of protein sequence and biophysical properties (such as structural, functional, and spatial information, amino acid conservation, physicochemical variation, residue mobility, and thermodynamic stability) performed at Invitae indicates that this missense variant is expected to disrupt ABCC8 protein function with a positive predictive value of 95%. This variant disrupts the p.Arg306 amino acid residue in ABCC8. Other variant(s) that disrupt this residue have been determined to be pathogenic (PMID: 32928245, 34304300). This suggests that this residue is clinically significant, and that variants that disrupt this residue are likely to be disease-causing. In summary, the currently available evidence indicates that the variant is pathogenic, but additional data are needed to prove that conclusively. Therefore, this variant has been classified as Likely Pathogenic.

Counsyl
Classification: Uncertain significance for Hyperinsulinemic hypoglycemia, familial, 1. Last evaluated: 2017-09-12. Review status: no assertion criteria provided. Collection method: clinical testing. Allele origin: unknown. Not counted in ClinVar's aggregate classification.

Literature cited by the submitters: PubMed 17919176 (cited by Labcorp Genetics (formerly Invitae), Labcorp and Counsyl); PubMed 29675256 (cited by Labcorp Genetics (formerly Invitae), Labcorp); PubMed 32928245 (cited by Labcorp Genetics (formerly Invitae), Labcorp); PubMed 34304300 (cited by Labcorp Genetics (formerly Invitae), Labcorp).